The following is an entry in ClinVar:

NM_000051.4(ATM):c.1236-402T>A

Gene: ATM (ATM serine/threonine kinase; plus strand). Cytogenetic location: 11q22.3.
Variant type: single nucleotide variant.
Coding change: c.1236-402T>A on transcript NM_000051.4 (MANE Select); 402 bases into the intron before coding-DNA position 1236, T replaced by A.
Molecular consequence: intron variant.
Genome position (GRCh38, 1-based): chr11:108,250,299, T>A. VCF-style: chr11-108250299-T-A. GRCh37 (hg19) VCF-style: chr11-108121026-T-A.
Other names: c.1236-402T>A (NM_001351834.2).
Identifiers: ClinVar variation 3055778 (VCV003055778.2), dbSNP rs2497229900, ClinGen allele CA2740093198.

ClinVar aggregate classification (germline): Likely benign (0 of 4 stars; one submission).

Conditions:
ATM-related disorder. Also called: ATM-related disorders; ATM-related condition.

Submission:

PreventionGenetics, part of Exact Sciences
Classification: Likely benign for ATM-related condition. Last evaluated: 2023-12-04. Review status: no assertion criteria provided. Collection method: clinical testing. Allele origin: germline.
Comment: This variant is classified as likely benign based on ACMG/AMP sequence variant interpretation guidelines (Richards et al. 2015 PMID: 25741868, with internal and published modifications).